The following is an entry in ClinVar:

NM_024426.6(WT1):c.247G>T (p.Ala83Ser)

Genes: WT1 (WT1 transcription factor; minus strand), LOC107982234 (WT1/WT1-AS bi-directional promoter region; plus strand). Cytogenetic location: 11p13.
Variant type: single nucleotide variant.
Coding change: c.247G>T on transcript NM_024426.6 (MANE Select); coding-DNA position 247, G replaced by T.
Protein change: p.Ala83Ser; replaces alanine 83 with serine.
Molecular consequence: missense variant. On other transcripts: non-coding transcript variant (1).
Genome position (GRCh38, 1-based): chr11:32,435,114, C>A on the plus strand (G>T on the coding strand, the complement: WT1 is on the minus strand). VCF-style: chr11-32435114-C-A. GRCh37 (hg19) VCF-style: chr11-32456660-C-A.
Other names: c.247G>T, p.Ala83Ser (NM_000378.6, NM_024424.5); short protein forms A83S.
Identifiers: ClinVar variation 304427 (VCV000304427.6), dbSNP rs886048231, ClinGen allele CA10634698.

ClinVar aggregate classification (germline): Uncertain significance (1 of 4 stars; one submission).

Conditions:
Inborn genetic diseases. Identifiers: MedGen C0950123, MeSH D030342.

Submission:

Ambry Genetics
Classification: Uncertain significance for Inborn genetic diseases. Last evaluated: 2025-01-18. Review status: criteria provided, single submitter. Criteria: Ambry Variant Classification Scheme 2023. Collection method: clinical testing. Allele origin: germline.
Comment: The p.A78S variant (also known as c.232G>T), located in coding exon 1 of the WT1 gene, results from a G to T substitution at nucleotide position 232. The alanine at codon 78 is replaced by serine, an amino acid with similar properties. This amino acid position is conserved. In addition, this alteration is predicted to be tolerated by in silico analysis. Based on the available evidence, the clinical significance of this variant remains unclear.